The following is an entry in ClinVar:

NM_001126108.2(SLC12A3):c.1704G>A (p.Trp568Ter)

Gene: SLC12A3 (solute carrier family 12 member 3; plus strand). Cytogenetic location: 16q13.
Variant type: single nucleotide variant.
Coding change: c.1704G>A on transcript NM_001126108.2 (MANE Select); coding-DNA position 1704, G replaced by A.
Protein change: p.Trp568Ter; replaces tryptophan 568 with a stop codon.
Molecular consequence: nonsense.
Genome position (GRCh38, 1-based): chr16:56,884,083, G>A. VCF-style: chr16-56884083-G-A. GRCh37 (hg19) VCF-style: chr16-56917995-G-A.
Other names: c.1704G>A, p.Trp568Ter (NM_000339.3); c.1701G>A, p.Trp567Ter (NM_001126107.2, NM_001410896.1); short protein forms W567*, W568*.
Identifiers: ClinVar variation 4818193 (VCV004818193.1).

ClinVar aggregate classification (germline): Likely pathogenic (1 of 4 stars; one submission).

Conditions:
Familial hypokalemia-hypomagnesemia (GTLMNS). Also called: POTASSIUM AND MAGNESIUM DEPLETION; HYPOMAGNESEMIA-HYPOKALEMIA, PRIMARY RENOTUBULAR, WITH HYPOCALCIURIA; gitelman syndrome. Identifiers: Orphanet 358, MedGen C0268450, MONDO:0009904, OMIM 263800.

Submission:

Natera, Inc.
Classification: Likely pathogenic for Gitelman syndrome. Last evaluated: 2024-05-06. Review status: criteria provided, single submitter. Criteria: Natera Variant Classification Schema (03/2026). Collection method: clinical testing. Allele origin: germline.
Comment: The c.1704G>A variant in SLC12A3 is a nonsense variant predicted to introduce a stop codon at amino acid 568. This variant is expected to result in nonsense mediated decay, truncation, or a dysfunctional protein product. This variant is rare in the general population with a frequency below the threshold expected for the associated phenotype(s). Given the available evidence, this variant is classified as Likely Pathogenic.